The following is an entry in ClinVar:

NC_000016.9:g.(?_7383003)_(7680705_?)dup

Gene: RBFOX1 (RNA binding fox-1 homolog 1; plus strand). Cytogenetic location: 16p13.3.
Variant type: Duplication.
Identifiers: ClinVar variation 1412780 (VCV001412780.5).

ClinVar aggregate classification (germline): Uncertain significance (1 of 4 stars; one submission).

Conditions:
Idiopathic generalized epilepsy. Also called: Generalised epilepsy; EIG. Identifiers: MedGen C0270850, MONDO:0005579, OMIM 600669.

Submission:

Labcorp Genetics (formerly Invitae), Labcorp
Classification: Uncertain significance for Idiopathic generalized epilepsy. Last evaluated: 2023-07-07. Review status: criteria provided, single submitter. Criteria: Invitae Variant Classification Sherloc (09022015). Collection method: clinical testing. Allele origin: germline.
Comment: In summary, the available evidence is currently insufficient to determine the role of this variant in disease. Therefore, it has been classified as a Variant of Uncertain Significance. Experimental studies and prediction algorithms are not available or were not evaluated, and the functional significance of this variant is currently unknown. This variant has not been reported in the literature in individuals affected with RBFOX1-related conditions. This variant results in a copy number gain of the genomic region encompassing exon(s) 1-8 of the RBFOX1 gene. This region includes the initiator codon of the gene. This copy number gain extends beyond the assayed region for this gene and therefore may encompass additional genes. As the precise location of this event is unknown, it may be in tandem or it may be located elsewhere in the genome.